The following is an entry in ClinVar:

ClinVar aggregate classification (germline): Uncertain significance (1 of 4 stars; one submission).

Submission:

Labcorp Genetics (formerly Invitae), Labcorp
Classification: Uncertain significance. Last evaluated: 2023-12-14. Review status: criteria provided, single submitter. Criteria: Invitae Variant Classification Sherloc (09022015). Collection method: clinical testing. Allele origin: germline.
Comment: This sequence change falls in intron 3 of the SETBP1 gene. It does not directly change the encoded amino acid sequence of the SETBP1 protein. It affects a nucleotide within the consensus splice site. This variant is not present in population databases (gnomAD no frequency). This variant has not been reported in the literature in individuals affected with SETBP1-related conditions. Variants that disrupt the consensus splice site are a relatively common cause of aberrant splicing (PMID: 17576681, 9536098). Algorithms developed to predict the effect of sequence changes on RNA splicing suggest that this variant may disrupt the consensus splice site. In summary, the available evidence is currently insufficient to determine the role of this variant in disease. Therefore, it has been classified as a Variant of Uncertain Significance.

Literature cited by the submitters: PubMed 17576681; PubMed 9536098.

NM_015559.3(SETBP1):c.540+2dup

Gene: SETBP1 (SET binding protein 1; plus strand). Cytogenetic location: 18q12.3.
Variant type: Duplication.
Coding change: c.540+2dup on transcript NM_015559.3 (MANE Select); the canonical splice donor site of the intron after coding-DNA position 540, one base duplicated (T; older notation c.540+2dupT).
Molecular consequence: splice donor variant.
Genome position (GRCh38, 1-based): chr18:44,869,285, T duplicated. VCF-style (leftmost placement, unchanged base first): chr18-44869284-G-GT. GRCh37 (hg19) VCF-style: chr18-42449249-G-GT.
Other names: c.540+2dup (NM_001379141.1, NM_001130110.2, NM_001410862.1 and 1 more transcripts).
Identifiers: ClinVar variation 2703285 (VCV002703285.3), dbSNP rs2511248144, ClinGen allele CA2697555561.